The following is an entry in ClinVar:

NM_022124.6(CDH23):c.7999_8023del (p.Asp2667fs)

Genes: CDH23 (cadherin related 23; plus strand), LOC111982869 (Sharpr-MPRA regulatory region 2121; plus strand). Cytogenetic location: 10q22.1.
Variant type: Deletion.
Coding change: c.7999_8023del on transcript NM_022124.6 (MANE Select); coding-DNA positions 7999 to 8023, 25 bases deleted (GACCCAATCAGCGGCCTCATCCAGA).
Protein change: p.Asp2667fs; shifts the reading frame from aspartic acid 2667.
Molecular consequence: frameshift variant.
Genome position (GRCh38, 1-based): chr10:71,805,932-71,805,956, GACCCAATCAGCGGCCTCATCCAGA deleted. VCF-style (leftmost placement, unchanged base first): chr10-71805931-CGACCCAATCAGCGGCCTCATCCAGA-C. GRCh37 (hg19) VCF-style: chr10-73565688-CGACCCAATCAGCGGCCTCATCCAGA-C.
Other names: c.1279_1303del, p.Asp427fs (NM_001171933.1, NM_001171934.1); short protein forms D2667fs, D427fs.
Identifiers: ClinVar variation 3601625 (VCV003601625.1).
Genomic context (GRCh38, chr10:71,805,931, plus strand): 5'-GGCGGTGCGCTACAGCTTCCTGAAGACTGCGGGCAACCGGGACTGGGAGTTCTTCATCAT[CGACCCAATCAGCGGCCTCATCCAGA>C]CTGCTCAGCGCCTGGACCGCGAGTCGCAGGCGGTGTACAGCGTAAGGGCGGGGCCCGGTG-3'

ClinVar aggregate classification (germline): Likely pathogenic (1 of 4 stars; one submission).

Conditions:
Autosomal recessive nonsyndromic hearing loss 12. Also called: DEAFNESS, AUTOSOMAL RECESSIVE 12. Identifiers: Orphanet 90636, MedGen C1832394, MONDO:0011067, OMIM 601386.

Submission:

Institute of Rare Diseases, West China Hospital, Sichuan University
Classification: Likely pathogenic for Autosomal recessive nonsyndromic hearing loss 12. Last evaluated: 2025-01-09. Review status: criteria provided, single submitter. Criteria: ClinGen HL ACMG Specifications v1. Collection method: research. Allele origin: germline. Affected: yes.
Comment: PVS1;PM2_Supporting